The following is an entry in ClinVar:

ClinVar aggregate classification (somatic clinical impact): Tier I - Strong (1 of 4 stars; one submission).

Conditions:
Atypical teratoid rhabdoid tumor. Also called: Atypical teratoid/rhabdoid tumor. Identifiers: Orphanet 99966, MedGen C1266184, MONDO:0020560, HP:0034401.

Submission:

Institute for Genomic Medicine (IGM) Clinical Laboratory, Nationwide Children's Hospital
Classification: Tier I - Strong for Atypical teratoid rhabdoid tumor. Assertion type: diagnostic. Clinical significance: supports diagnosis. Last evaluated: 2022-10-17. Review status: criteria provided, single submitter. Criteria: AMP/ASCO/CAP Guidelines, 2017. Collection method: clinical testing. Allele origin: somatic. Affected: yes.
Comment: Variant has Tier I (strong) clinical significance as a diagnostic inclusion criterion in atypical teratoid rhabdoid tumor, based on the following evidence: 1) Appears in one or more well-established professional guidelines (e.g., World Health Organization [WHO]; National Comprehensive Cancer Network [NCCN]) as providing diagnostic, prognostic, or therapeutic information. 2) Diagnostic for a specific tumor type/classification according to professional guidelines (Evidence Level A; PMIDs: 22797305, 9892189, 9671307, 26923874, 23074045).

Literature cited by the submitters: PubMed 22797305; PubMed 9892189; PubMed 9671307; PubMed 26923874; PubMed 23074045.

NM_003073.5(SMARCB1):c.551_569dup (p.Leu191fs)

Gene: SMARCB1 (SWI/SNF related BAF chromatin remodeling complex subunit B1; plus strand). Cytogenetic location: 22q11.23.
Variant type: Duplication.
Coding change: c.551_569dup on transcript NM_003073.5 (MANE Select); coding-DNA positions 551 to 569, 19 bases duplicated (AGGTGCTGGTCCCCATCCG).
Protein change: p.Leu191fs; shifts the reading frame from leucine 191.
Molecular consequence: frameshift variant.
Genome position (GRCh38, 1-based): chr22:23,803,345-23,803,363, AGGTGCTGGTCCCCATCCG duplicated; duplicating any 19 consecutive bases within chr22:23,803,342-23,803,363 gives the same sequence; the c. name uses the placement nearest the transcript's 3' end. VCF-style (leftmost placement, unchanged base first): chr22-23803341-C-CCCGAGGTGCTGGTCCCCAT. GRCh37 (hg19) VCF-style: chr22-24145528-C-CCCGAGGTGCTGGTCCCCAT.
Other names: c.605_623dup, p.Leu209fs (NM_001362877.2); c.524_542dup, p.Leu182fs (NM_001007468.3); c.578_596dup, p.Leu200fs (NM_001317946.2); short protein forms L182fs, L191fs, L200fs, L209fs.
Identifiers: ClinVar variation 4530286 (VCV004530286.1).